The following is an entry in ClinVar:

NM_001130987.2(DYSF):c.5976_5977inv (p.Glu1993Ter)

Gene: DYSF (dysferlin; plus strand). Cytogenetic location: 2p13.2.
Variant type: Inversion.
Coding change: c.5976_5977inv on transcript NM_001130987.2 (MANE Select).
Protein change: p.Glu1993Ter; replaces glutamic acid 1993 with a stop codon.
Molecular consequence: nonsense.
Genome position: GRCh38 VCF-style: chr2-71679148-AG-CT. GRCh37 (hg19) VCF-style: chr2-71906278-AG-CT.
Other names: c.5862_5863inv, p.Glu1955Ter (NM_001130455.2); c.5817_5818inv, p.Glu1940Ter (NM_001130976.2); c.5880_5881inv, p.Glu1961Ter (NM_001130977.2); c.5922_5923inv, p.Glu1975Ter (NM_001130978.2); c.5952_5953inv, p.Glu1985Ter (NM_001130979.2); c.5910_5911inv, p.Glu1971Ter (NM_001130980.2); c.5973_5974inv, p.Glu1992Ter (NM_001130981.2); c.5955_5956inv, p.Glu1986Ter (NM_001130982.2); and 5 more; short protein forms E1940*, E1961*, E1971*, E1975*, E1941*, E1954*, E1962*, E1985*.
Identifiers: ClinVar variation 471321 (VCV000471321.8), ClinGen allele CA658657040.

ClinVar aggregate classification (germline): Pathogenic (1 of 4 stars; one submission).

Conditions:
Neuromuscular disease caused by qualitative or quantitative defects of dysferlin. Also called: Dysferlinopathy; Qualitative or quantitative defects of dysferlin. Identifiers: Orphanet 207073, MedGen C2931687, MONDO:0016145.

Submission:

Labcorp Genetics (formerly Invitae), Labcorp
Classification: Pathogenic for Neuromuscular disease caused by qualitative or quantitative defects of dysferlin. Last evaluated: 2017-01-15. Review status: criteria provided, single submitter. Criteria: Invitae Variant Classification Sherloc (09022015). Collection method: clinical testing. Allele origin: germline.
Comment: While this particular variant has not been reported in the literature, loss-of-function variants in DYSF are known to be pathogenic (PMID: 17698709). This sequence change deletes 2 nucleotide and inserts 2 nucleotides in exon 52 of the DYSF mRNA (c.5859_5860delinsCT). This creates a premature translational stop signal (p.Glu1954*) and is expected to result in an absent or disrupted protein product. For these reasons, this variant has been classified as Pathogenic.

Literature cited by the submitters: PubMed 17698709.